The following is an entry in ClinVar:

NM_005664.4(MKRN3):c.425G>C (p.Gly142Ala)

Gene: MKRN3 (makorin ring finger protein 3; plus strand). Cytogenetic location: 15q11.2.
Variant type: single nucleotide variant.
Coding change: c.425G>C on transcript NM_005664.4 (MANE Select); coding-DNA position 425, G replaced by C.
Protein change: p.Gly142Ala; replaces glycine 142 with alanine.
Molecular consequence: missense variant.
Genome position (GRCh38, 1-based): chr15:23,566,207, G>C. VCF-style: chr15-23566207-G-C. GRCh37 (hg19) VCF-style: chr15-23811354-G-C.
Other names: short protein forms G142A.
Identifiers: ClinVar variation 741460 (VCV000741460.22), dbSNP rs144864886, ClinGen allele CA7429356.

ClinVar aggregate classification (germline): Conflicting classifications of pathogenicity. Review status: criteria provided, conflicting classifications (1 of 4 stars). 3 submissions from 3 submitters: Uncertain significance (1); Likely benign (2). Last evaluated 2024-07-01.

Allele frequency attached by ClinVar (database versions not stated): 1000 Genomes Project 0.00040; 1000 Genomes Project 30x 0.00047; gnomAD 0.00081 and 0.00093; TOPMed 0.00100; ESP Exome Variant Server 0.00138.

Submissions (3):

CeGaT Center for Human Genetics Tuebingen
Classification: Likely benign. Last evaluated: 2024-07-01. Review status: criteria provided, single submitter. Criteria: CeGaT Center For Human Genetics Tuebingen Variant Classification Criteria Version 2. Collection method: clinical testing. Allele origin: germline. Affected: yes. Observed: 1 variant allele.
Comment: MKRN3: BP4, BS2

GeneDx
Classification: Uncertain significance. Last evaluated: 2023-06-13. Review status: criteria provided, single submitter. Criteria: GeneDx Variant Classification Process June 2021. Collection method: clinical testing. Allele origin: germline. Affected: yes.
Comment: In silico analysis supports that this missense variant does not alter protein structure/function; Has not been previously published as pathogenic or benign to our knowledge

Labcorp Genetics (formerly Invitae), Labcorp
Classification: Likely benign. Last evaluated: 2019-12-31. Review status: criteria provided, single submitter. Criteria: Invitae Variant Classification Sherloc (09022015). Collection method: clinical testing. Allele origin: germline.